The following is an entry in ClinVar:

ClinVar aggregate classification (germline): Likely pathogenic. Review status: reviewed by expert panel (3 of 4 stars). 2 submissions from 2 submitters: Likely pathogenic (1). 1 of the submissions does not count toward it. Last evaluated 2023-06-27.

Conditions:
Very long chain acyl-CoA dehydrogenase deficiency (ACADVLD). Also called: VLCAD Deficiency; Very Long-Chain Acyl-Coenzyme A Dehydrogenase Deficiency. Identifiers: Orphanet 26793, MedGen C3887523, MONDO:0008723, OMIM 201475.

Submissions (2):

ClinGen ACADVL Variant Curation Expert Panel, ClinGen
Classification: Likely pathogenic for Very long chain acyl-CoA dehydrogenase deficiency. Last evaluated: 2023-06-27. Review status: reviewed by expert panel. Criteria: clingen acadvl acmg specifications v1. Collection method: curation. Allele origin: germline. Inheritance: Autosomal recessive inheritance.
Comment: The NM_000018.3(ACADVL):c.625del (p.Glu209ArgfsTer8) variant in ACADVL is a frameshift variant predicted cause a premature stop codon in biologically-relevant-exon 8/20 leading to nonsense mediated decay in a gene in which loss-of-function is an established disease mechanism (PVS1; PMIDs 9973285, 11590124). This variant is absent from gnomAD v2.1.1 (PM2_Supporting). In summary, this variant meets the criteria to be classified as likely pathogenic for autosomal recessive very long chain acyl-CoA dehydrogenase (VLCAD) deficiency based on the ACMG/AMP criteria applied, as specified by the ClinGen ACADVL Variant Curation Expert Panel: PVS1, PM2_Supporting.

Labcorp Genetics (formerly Invitae), Labcorp
Classification: Pathogenic for Very long chain acyl-CoA dehydrogenase deficiency. Last evaluated: 2019-10-26. Review status: criteria provided, single submitter. Criteria: Invitae Variant Classification Sherloc (09022015). Collection method: clinical testing. Allele origin: germline. Not counted in ClinVar's aggregate classification.
Comment: This sequence change creates a premature translational stop signal (p.Glu209Argfs*8) in the ACADVL gene. It is expected to result in an absent or disrupted protein product. This variant is not present in population databases (ExAC no frequency). This variant has not been reported in the literature in individuals with ACADVL-related conditions. Loss-of-function variants in ACADVL are known to be pathogenic (PMID: 9973285, 11590124). For these reasons, this variant has been classified as Pathogenic.

Literature cited by the submitters: PubMed 9973285 (cited by Labcorp Genetics (formerly Invitae), Labcorp); PubMed 11590124 (cited by Labcorp Genetics (formerly Invitae), Labcorp).

NC_000017.11:g.7221954del

Gene: ACADVL (acyl-CoA dehydrogenase very long chain; plus strand). Cytogenetic location: 17p13.1.
Variant type: Deletion.
Genome position: GRCh38 VCF-style: chr17-7221950-AG-A. GRCh37 (hg19) VCF-style: chr17-7125269-AG-A.
Identifiers: ClinVar variation 965068 (VCV000965068.10), dbSNP rs2071251239, ClinGen allele CA1139665140.
Genomic context (GRCh38, chr17:7,221,950, plus strand): 5'-GTGGGCCGAGGGGACTTTGAAGCTCATCAGAACTTGGGGTAAAGTAGCTCTCTCCCCAAC[AG>A]GGGAGACTGTGGCCGCTTTCTGTCTAACCGAGCCCTCAAGCGGGTCAGATGCAGCCTCCA-3'